The following is an entry in ClinVar:

NM_000368.5(TSC1):c.1434A>G (p.Glu478=)

Gene: TSC1 (TSC complex subunit 1; minus strand). Cytogenetic location: 9q34.13.
Variant type: single nucleotide variant.
Coding change: c.1434A>G on transcript NM_000368.5 (MANE Select); coding-DNA position 1434, A replaced by G.
Protein change: p.Glu478=; no amino-acid change (glutamic acid 478 retained).
Molecular consequence: synonymous variant.
Genome position (GRCh38, 1-based): chr9:132,906,735, T>C on the plus strand (A>G on the coding strand, the complement: TSC1 is on the minus strand). VCF-style: chr9-132906735-T-C. GRCh37 (hg19) VCF-style: chr9-135782122-T-C.
Other names: c.1431A>G, p.Glu477= (NM_001162426.2); c.1281A>G, p.Glu427= (NM_001162427.2); c.1071A>G, p.Glu357= (NM_001362177.2).
Identifiers: ClinVar variation 819203 (VCV000819203.7), dbSNP rs1588312602, ClinGen allele CA467591541.

ClinVar aggregate classification (germline): Benign/Likely benign. Review status: criteria provided, multiple submitters, no conflicts (2 of 4 stars). 3 submissions from 3 submitters: Benign (1); Likely benign (2). Last evaluated 2025-04-09.

Conditions:
Hereditary cancer-predisposing syndrome. Also called: Hereditary Cancer Syndrome; Neoplastic Syndromes, Hereditary; Hereditary neoplastic syndrome; Tumor predisposition. Identifiers: Orphanet 140162, MedGen C0027672, MeSH D009386, MONDO:0015356.
Tuberous sclerosis 1 (TSC1). Identifiers: Orphanet 805, MedGen C1854465, MONDO:0008612, OMIM 191100.

Submissions (3):

Myriad Genetics, Inc.
Classification: Benign for Tuberous sclerosis 1. Last evaluated: 2025-04-09. Review status: criteria provided, single submitter. Criteria: Myriad Autosomal Dominant, Autosomal Recessive and X-Linked Classification Criteria (2023). Collection method: clinical testing. Allele origin: unknown.
Comment: This variant is considered benign. This variant is a silent/synonymous amino acid change and it is not expected to impact splicing.

Labcorp Genetics (formerly Invitae), Labcorp
Classification: Likely benign for Tuberous sclerosis 1. Last evaluated: 2024-07-15. Review status: criteria provided, single submitter. Criteria: Invitae Variant Classification Sherloc (09022015). Collection method: clinical testing. Allele origin: germline.

Ambry Genetics
Classification: Likely benign for Hereditary cancer-predisposing syndrome. Last evaluated: 2019-08-06. Review status: criteria provided, single submitter. Criteria: Ambry Variant Classification Scheme 2023. Collection method: clinical testing. Allele origin: germline.